The following is an entry in ClinVar:

ClinVar aggregate classification (germline): Pathogenic. Review status: criteria provided, multiple submitters, no conflicts (2 of 4 stars). 9 submissions from 9 submitters: Pathogenic (8). 1 of the submissions does not count toward it. Last evaluated 2026-01-22.

Conditions:
Canavan Disease, Familial Form. Identifiers: MedGen C0751663.
Spongy degeneration of central nervous system. Also called: ASPA DEFICIENCY; ASPARTOACYLASE DEFICIENCY; ACY2 DEFICIENCY; AMINOACYLASE 2 DEFICIENCY; CANAVAN-VAN BOGAERT-BERTRAND DISEASE; ASP DEFICIENCY. Identifiers: Orphanet 141, MedGen C0206307, MONDO:0010079, OMIM 271900.

Allele frequency attached by ClinVar (database versions not stated): TOPMed 0.00001; gnomAD 0.00002 and 0.00001; gnomAD exomes below 0.00001; ExAC 0.00002.
gnomAD v4.1: 15 of 1,614,016 alleles (0.00093%); highest among the groups gnomAD compares: African/African-American, 0.004%; no homozygotes.

Submissions (9):

3billion
Classification: Pathogenic for Spongy degeneration of central nervous system. Last evaluated: 2026-01-22. Review status: criteria provided, single submitter. Criteria: ACMG Guidelines, 2015. Collection method: clinical testing. Allele origin: germline. Affected: yes.
Comment: The variant is observed at an extremely low frequency in the gnomAD v4.1.0 dataset (total allele frequency: <0.001%). Predicted Consequence/Location: Missense variant In silico tool predictions suggest damaging effect of the variant on gene or gene product [REVEL: 0.89 (>=0.6, sensitivity 0.68 and specificity 0.92); 3Cnet: 0.97 (> 0.75, sensitivity 0.96 and precision 0.92)]. The same nucleotide change resulting in the same amino acid change has been previously reported as pathogenic/likely pathogenic with strong evidence (ClinVar ID: VCV000188803 /PMID: 10407784). The variant has been reported to be in trans with a pathogenic variant as either compound heterozygous or homozygous in at least one similarly affected unrelated individual (PMID: 22878930, 26992473). A different missense change at the same codon (p.Ala287Val) has been reported to be associated with ASPA-related disorder (ClinVar ID: VCV002907869). Therefore, this variant is classified as Pathogenic according to the recommendation of ACMG/AMP guideline.

Natera, Inc.
Classification: Pathogenic for Canavan Disease. Last evaluated: 2025-06-17. Review status: criteria provided, single submitter. Criteria: Natera Variant Classification Schema (03/2026). Collection method: clinical testing. Allele origin: germline.
Comment: The c.859G>A variant in ASPA is a missense variant predicted to cause substitution of alanine to threonine at amino acid 287. This variant is rare in the general population with a frequency below the threshold expected for the associated phenotype(s). This variant has been observed in one or more individuals affected with the associated recessive disease, as either homozygous or compound heterozygous with a second variant (PMID: 22878930, 26992473, 22019069). Given the available evidence, this variant is classified as Pathogenic.

Fulgent Genetics
Classification: Pathogenic for Spongy degeneration of central nervous system. Last evaluated: 2024-04-02. Review status: criteria provided, single submitter. Criteria: ACMG Guidelines, 2015. Collection method: clinical testing. Allele origin: germline.

Labcorp Genetics (formerly Invitae), Labcorp
Classification: Pathogenic for Spongy degeneration of central nervous system. Last evaluated: 2024-02-05. Review status: criteria provided, single submitter. Criteria: Invitae Variant Classification Sherloc (09022015). Collection method: clinical testing. Allele origin: germline.
Comment: This sequence change replaces alanine, which is neutral and non-polar, with threonine, which is neutral and polar, at codon 287 of the ASPA protein (p.Ala287Thr). The frequency data for this variant in the population databases is considered unreliable, as metrics indicate poor data quality at this position in the gnomAD database. This missense change has been observed in individual(s) with Canavan disease (PMID: 12638939, 16854607, 26992473). In at least one individual the data is consistent with being in trans (on the opposite chromosome) from a pathogenic variant. ClinVar contains an entry for this variant (Variation ID: 188803). Advanced modeling of protein sequence and biophysical properties (such as structural, functional, and spatial information, amino acid conservation, physicochemical variation, residue mobility, and thermodynamic stability) performed at Invitae indicates that this missense variant is expected to disrupt ASPA protein function with a positive predictive value of 95%. For these reasons, this variant has been classified as Pathogenic.

CeGaT Center for Human Genetics Tuebingen
Classification: Pathogenic. Last evaluated: 2022-06-01. Review status: criteria provided, single submitter. Criteria: CeGaT Center For Human Genetics Tuebingen Variant Classification Criteria Version 2. Collection method: clinical testing. Allele origin: germline. Affected: yes. Observed: 2 variant alleles.

Genome-Nilou Lab
Classification: Pathogenic for Spongy degeneration of central nervous system. Last evaluated: 2021-11-07. Review status: criteria provided, single submitter. Criteria: ACMG Guidelines, 2015. Collection method: clinical testing. Allele origin: germline. Affected: no.

Women's Health and Genetics/Laboratory Corporation of America, LabCorp
Classification: Pathogenic for Canavan Disease, Familial Form. Last evaluated: 2016-08-04. Review status: criteria provided, single submitter. Criteria: LabCorp Variant Classification Summary - May 2015. Collection method: clinical testing. Allele origin: germline.
Comment: Variant summary: The ASPA c.859G>A (p.Ala287Thr) variant involves the alteration of a conserved nucleotide. 4/4 in silico tools predict a damaging outcome for this variant (SNPs&GO not captured due to low reliability index). The C-domain of the protein forms a pocket that accommodates the acetyl group of NAA and puts severe restriction on the size of this portion of substrate. The tight pocket is formed by residues Thr-118, Gln-184, Phe-282, Glu-285, Ala-287, and Tyr-288. Thus, p.Ala287Thr is predicted to alter the hydrogen bonding network, which may lead to destabilization of interaction between the N- and C-domain (PMID: 17194761). This variant was found in 3/120632 control chromosomes at a frequency of 0.0000249, which does not exceed the estimated maximal expected allele frequency of a pathogenic ASPA variant (0.0079057). ASPA c.859G>A has been reported in numerous patients with Canavan disease. In addition, one clinical diagnostic laboratory classified this variant as likely pathogenic. Taken together, this variant is classified as pathogenic.

Juno Genomics, Hangzhou Juno Genomics, Inc
Classification: Pathogenic for Spongy degeneration of central nervous system. Review status: criteria provided, single submitter. Criteria: ACMG Guidelines, 2015. Collection method: clinical testing. Allele origin: germline.
Comment: Absent from controls (or at extremely low frequency if recessive) in Genome Aggregation Database.;Multiple lines of computational evidence support a deleterious effect on the gene or gene product.;For recessive disorders, detected in trans with a pathogenic variant.;Patient's phenotype or family history is highly specific for a disease with a single genetic etiology.

Counsyl
Classification: Likely pathogenic for Spongy degeneration of central nervous system. Last evaluated: 2014-05-24. Review status: no assertion criteria provided. Collection method: literature only. Allele origin: unknown. Inheritance: Autosomal recessive inheritance. Not counted in ClinVar's aggregate classification.

Literature cited by the submitters: PubMed 26992473 (cited by 3 submitters); PubMed 10407784 (cited by 3 submitters); PubMed 22878930 (cited by 4 submitters); PubMed 22019069 (cited by 3 submitters); PubMed 12638939 (cited by Labcorp Genetics (formerly Invitae), Labcorp and Counsyl); PubMed 16854607 (cited by Labcorp Genetics (formerly Invitae), Labcorp and Counsyl); PubMed 23233226 (cited by Counsyl); PubMed 17194761 (cited by Counsyl).

NM_000049.4(ASPA):c.859G>A (p.Ala287Thr)

Genes: ASPA (aspartoacylase; plus strand), SPATA22 (spermatogenesis associated 22; minus strand). Cytogenetic location: 17p13.2.
Variant type: single nucleotide variant.
Coding change: c.859G>A on transcript NM_000049.4 (MANE Select); coding-DNA position 859, G replaced by A.
Protein change: p.Ala287Thr; replaces alanine 287 with threonine.
Molecular consequence: missense variant. On other transcripts: intron variant (2).
Genome position (GRCh38, 1-based): chr17:3,499,005, G>A. VCF-style: chr17-3499005-G-A. GRCh37 (hg19) VCF-style: chr17-3402299-G-A.
Other names: c.859G>A, p.Ala287Thr (NM_001128085.1); c.-74+14407C>T (NM_001321336.2, NM_001321337.2); short protein forms A287T.
Identifiers: ClinVar variation 188803 (VCV000188803.56), dbSNP rs774323189, ClinGen allele CA273981.